The following is an entry in ClinVar:

NM_002609.4(PDGFRB):c.2811G>A (p.Met937Ile)

Gene: PDGFRB (platelet derived growth factor receptor beta; minus strand). Cytogenetic location: 5q32.
Variant type: single nucleotide variant.
Coding change: c.2811G>A on transcript NM_002609.4 (MANE Select); coding-DNA position 2811, G replaced by A.
Protein change: p.Met937Ile; replaces methionine 937 with isoleucine.
Molecular consequence: missense variant.
Genome position (GRCh38, 1-based): chr5:150,118,840, C>T on the plus strand (G>A on the coding strand, the complement: PDGFRB is on the minus strand). VCF-style: chr5-150118840-C-T. GRCh37 (hg19) VCF-style: chr5-149498403-C-T.
Other names: c.2619G>A, p.Met873Ile (NM_001355016.2); c.2328G>A, p.Met776Ile (NM_001355017.2); short protein forms M776I, M873I, M937I.
Identifiers: ClinVar variation 2051140 (VCV002051140.5), dbSNP rs751229604, ClinGen allele CA3507508.

ClinVar aggregate classification (germline): Uncertain significance. Review status: criteria provided, single submitter (1 of 4 stars). 2 submissions from 2 submitters: Uncertain significance (1). 1 of the submissions does not count toward it. Last evaluated 2022-07-26.

Conditions:
Infantile myofibromatosis (IMF). Also called: Congenital generalized fibromatosis. Identifiers: Orphanet 2591, MedGen C0432284, MONDO:0016824.
Skeletal overgrowth-craniofacial dysmorphism-hyperelastic skin-white matter lesions syndrome. Also called: SKELETAL OVERGROWTH WITH FACIAL DYSMORPHISM, HYPERELASTIC SKIN, WHITE MATTER LESIONS, AND NEUROLOGIC DETERIORATION; Kosaki overgrowth syndrome. Identifiers: Orphanet 477831, MedGen C4225270, MONDO:0014704, OMIM 616592.
Acroosteolysis-keloid-like lesions-premature aging syndrome. Also called: Premature aging syndrome, Penttinen type; Prematurely aged appearance, delayed bone maturation, acro-osteolysis, and brachydactyly; Progeroid syndrome, Penttinen type. Identifiers: Orphanet 363665, MedGen C1866182, MONDO:0011150, OMIM 601812.
Basal ganglia calcification, idiopathic, 4 (PFBC4). Also called: Familial Idiopathic Basal Ganglia Calcification 4; PRIMARY FAMILIAL BRAIN CALCIFICATION 4, AUTOSOMAL DOMINANT. Identifiers: Orphanet 1980, MedGen C3554321, MONDO:0014004, OMIM 615007.

Allele frequency attached by ClinVar (database versions not stated): ExAC 0.00012; gnomAD 0.00001.
gnomAD v4.1: 45 of 1,608,318 alleles (0.0028%); highest among the groups gnomAD compares: Non-Finnish European, 0.0033%; no homozygotes.

Submissions (2):

Labcorp Genetics (formerly Invitae), Labcorp
Classification: Uncertain significance for Basal ganglia calcification, idiopathic, 4; Skeletal overgrowth-craniofacial dysmorphism-hyperelastic skin-white matter lesions syndrome; Infantile myofibromatosis; Acroosteolysis-keloid-like lesions-premature aging syndrome. Last evaluated: 2022-07-26. Review status: criteria provided, single submitter. Criteria: Invitae Variant Classification Sherloc (09022015). Collection method: clinical testing. Allele origin: germline.
Comment: Advanced modeling of protein sequence and biophysical properties (such as structural, functional, and spatial information, amino acid conservation, physicochemical variation, residue mobility, and thermodynamic stability) performed at Invitae indicates that this missense variant is expected to disrupt PDGFRB protein function. This variant has not been reported in the literature in individuals affected with PDGFRB-related conditions. This variant is present in population databases (rs751229604, gnomAD 0.01%). This sequence change replaces methionine, which is neutral and non-polar, with isoleucine, which is neutral and non-polar, at codon 937 of the PDGFRB protein (p.Met937Ile). In summary, the available evidence is currently insufficient to determine the role of this variant in disease. Therefore, it has been classified as a Variant of Uncertain Significance.

Diagnostics Centre, Carl Von Ossietzky University Oldenburg
Classification: Uncertain significance. Last evaluated: 2026-04-22. Review status: no assertion criteria provided. Collection method: clinical testing. Allele origin: germline. Affected: yes. Observed: 1 variant allele. Not counted in ClinVar's aggregate classification.